The following is an entry in ClinVar:

ClinVar aggregate classification (germline): Benign/Likely benign. Review status: criteria provided, multiple submitters, no conflicts (2 of 4 stars). 6 submissions from 6 submitters: Benign (1); Likely benign (5). Last evaluated 2026-01-05.

Conditions:
Cardiovascular phenotype. Identifiers: MedGen CN230736.
RASopathy. Also called: Noonan spectrum disorder; rasopathies. Identifiers: Orphanet 536391, MedGen C5555857, MONDO:0021060.

Allele frequency attached by ClinVar (database versions not stated): ExAC 0.00001; gnomAD 0.00006 and 0.00007; TOPMed 0.00007.
gnomAD v4.1: 76 of 1,613,954 alleles (0.0047%); highest among the groups gnomAD compares: Admixed American, 0.028%; no homozygotes.

Submissions (6):

Labcorp Genetics (formerly Invitae), Labcorp
Classification: Likely benign for RASopathy. Last evaluated: 2026-01-05. Review status: criteria provided, single submitter. Criteria: Invitae Variant Classification Sherloc (09022015). Collection method: clinical testing. Allele origin: germline.

CeGaT Center for Human Genetics Tuebingen
Classification: Likely benign. Last evaluated: 2026-01-01. Review status: criteria provided, single submitter. Criteria: CeGaT Center For Human Genetics Tuebingen Variant Classification Criteria Version 2. Collection method: clinical testing. Allele origin: germline. Affected: yes. Observed: 1 variant allele.
Comment: CBL: BP4, BP7

Blueprint Genetics
Classification: Likely benign. Last evaluated: 2024-07-25. Review status: criteria provided, single submitter. Criteria: ACMG Guidelines, 2015. Collection method: clinical testing. Allele origin: germline.

Ambry Genetics
Classification: Likely benign for Cardiovascular phenotype. Last evaluated: 2020-03-17. Review status: criteria provided, single submitter. Criteria: Ambry Variant Classification Scheme 2023. Collection method: clinical testing. Allele origin: germline.

Women's Health and Genetics/Laboratory Corporation of America, LabCorp
Classification: Benign. Last evaluated: 2019-12-09. Review status: criteria provided, single submitter. Criteria: LabCorp Variant Classification Summary - May 2015. Collection method: clinical testing. Allele origin: germline.

GeneDx
Classification: Likely benign. Last evaluated: 2016-11-28. Review status: criteria provided, single submitter. Criteria: GeneDx Variant Classification (06012015). Collection method: clinical testing. Allele origin: germline. Affected: yes.
Comment: This variant is considered likely benign or benign based on one or more of the following criteria: it is a conservative change, it occurs at a poorly conserved position in the protein, it is predicted to be benign by multiple in silico algorithms, and/or has population frequency not consistent with disease.

NM_005188.4(CBL):c.1443G>T (p.Pro481=)

Gene: CBL (Cbl proto-oncogene; plus strand). Cytogenetic location: 11q23.3.
Variant type: single nucleotide variant.
Coding change: c.1443G>T on transcript NM_005188.4 (MANE Select); coding-DNA position 1443, G replaced by T.
Protein change: p.Pro481=; no amino-acid change (proline 481 retained).
Molecular consequence: synonymous variant.
Genome position (GRCh38, 1-based): chr11:119,284,980, G>T. VCF-style: chr11-119284980-G-T. GRCh37 (hg19) VCF-style: chr11-119155690-G-T.
Identifiers: ClinVar variation 391275 (VCV000391275.19), dbSNP rs768111719, ClinGen allele CA6318531.